The following is an entry in ClinVar:

NM_001614.5(ACTG1):c.22C>T (p.Leu8=)

Genes: ACTG1 (actin gamma 1; minus strand), LOC130061940 (ATAC-STARR-seq lymphoblastoid active region 12964; plus strand). Cytogenetic location: 17q25.3.
Variant type: single nucleotide variant.
Coding change: c.22C>T on transcript NM_001614.5 (MANE Select); coding-DNA position 22, C replaced by T.
Protein change: p.Leu8=; no amino-acid change (leucine 8 retained).
Molecular consequence: synonymous variant. On other transcripts: non-coding transcript variant (1).
Genome position (GRCh38, 1-based): chr17:81,512,333, G>A on the plus strand (C>T on the coding strand, the complement: ACTG1 is on the minus strand). VCF-style: chr17-81512333-G-A. GRCh37 (hg19) VCF-style: chr17-79479359-G-A.
Other names: c.22C>T, p.Leu8= (NM_001199954.3).
Identifiers: ClinVar variation 725968 (VCV000725968.11), dbSNP rs782795413, ClinGen allele CA8836418.

ClinVar aggregate classification (germline): Likely benign. Review status: criteria provided, multiple submitters, no conflicts (2 of 4 stars). 3 submissions from 3 submitters: Likely benign (2). 1 of the submissions does not count toward it. Last evaluated 2025-12-01.

Conditions:
Autosomal dominant nonsyndromic hearing loss 20. Identifiers: Orphanet 90635, MedGen C1858172, MONDO:0011480, OMIM 604717.
Baraitser-winter syndrome 2. Identifiers: Orphanet 2995, MedGen C3281235, MONDO:0013812, OMIM 614583.
ACTG1-related disorder. Also called: ACTG1-related condition; ACTG1-related disorders.

Allele frequency attached by ClinVar (database versions not stated): gnomAD exomes 0.00001; ExAC 0.00002; TOPMed 0.00005; gnomAD 0.00006.
gnomAD v4.1: 21 of 1,613,878 alleles (0.0013%); highest among the groups gnomAD compares: Middle Eastern, 0.016%; no homozygotes.

Submissions (3):

Labcorp Genetics (formerly Invitae), Labcorp
Classification: Likely benign for Baraitser-winter syndrome 2; Autosomal dominant nonsyndromic hearing loss 20. Last evaluated: 2025-12-01. Review status: criteria provided, single submitter. Criteria: Invitae Variant Classification Sherloc (09022015). Collection method: clinical testing. Allele origin: germline.

Breakthrough Genomics
Classification: Likely benign. Review status: criteria provided, single submitter. Criteria: ACMG Guidelines, 2015. Collection method: not provided. Allele origin: germline. Inheritance: Autosomal dominant inheritance. Affected: yes.

PreventionGenetics, part of Exact Sciences
Classification: Likely benign for ACTG1-related condition. Last evaluated: 2019-07-25. Review status: no assertion criteria provided. Collection method: clinical testing. Allele origin: germline. Not counted in ClinVar's aggregate classification.
Comment: This variant is classified as likely benign based on ACMG/AMP sequence variant interpretation guidelines (Richards et al. 2015 PMID: 25741868, with internal and published modifications).